The following is an entry in ClinVar:

ClinVar aggregate classification (germline): Uncertain significance (1 of 4 stars; one submission).

Submission:

GeneDx
Classification: Uncertain significance. Last evaluated: 2024-06-14. Review status: criteria provided, single submitter. Criteria: GeneDx Variant Classification Process June 2021. Collection method: clinical testing. Allele origin: germline. Affected: yes.
Comment: Not observed at significant frequency in large population cohorts (gnomAD); In silico analysis supports that this missense variant has a deleterious effect on protein structure/function; Has not been previously published as pathogenic or benign to our knowledge

NM_005909.5(MAP1B):c.1574T>G (p.Val525Gly)

Genes: MAP1B (microtubule associated protein 1B; plus strand), LOC129994023 (ATAC-STARR-seq lymphoblastoid active region 22644; plus strand). Cytogenetic location: 5q13.2.
Variant type: single nucleotide variant.
Coding change: c.1574T>G on transcript NM_005909.5 (MANE Select); coding-DNA position 1574, T replaced by G.
Protein change: p.Val525Gly; replaces valine 525 with glycine.
Molecular consequence: missense variant.
Genome position (GRCh38, 1-based): chr5:72,194,929, T>G. VCF-style: chr5-72194929-T-G. GRCh37 (hg19) VCF-style: chr5-71490756-T-G.
Other names: c.1196T>G, p.Val399Gly (NM_001324255.2); short protein forms V399G, V525G.
Identifiers: ClinVar variation 3390547 (VCV003390547.1).